The following is an entry in ClinVar:

NM_001015.5(RPS11):c.353+7G>A

Gene: RPS11 (ribosomal protein S11; plus strand). Cytogenetic location: 19q13.33.
Variant type: single nucleotide variant.
Coding change: c.353+7G>A on transcript NM_001015.5 (MANE Select); 7 bases into the intron after coding-DNA position 353, G replaced by A.
Molecular consequence: intron variant.
Genome position (GRCh38, 1-based): chr19:49,498,053, G>A. VCF-style: chr19-49498053-G-A. GRCh37 (hg19) VCF-style: chr19-50001310-G-A.
Identifiers: ClinVar variation 2672785 (VCV002672785.23), dbSNP rs367828292, ClinGen allele CA9575975.
Genomic context (GRCh38, chr19:49,498,053, plus strand): 5'-CCGCTTCGAGAAGCGCCACAAGAACATGTCTGTACACCTGTCCCCCTGCTTCAGGTGAGC[G>A]CAGTGGCCCATCAGGTTGCTCAGGCCACGCTCTCTCAGCCTTCAGATTCCAGATCGGACC-3'

ClinVar aggregate classification (germline): Likely benign (1 of 4 stars; one submission).

Allele frequency attached by ClinVar (database versions not stated): TOPMed 0.00006; ExAC 0.00007; ESP Exome Variant Server 0.00008; gnomAD 0.00009.
gnomAD v4.1: 209 of 1,611,970 alleles (0.013%); highest among the groups gnomAD compares: East Asian, 0.38%; no homozygotes.

Submission:

CeGaT Center for Human Genetics Tuebingen
Classification: Likely benign. Last evaluated: 2023-11-01. Review status: criteria provided, single submitter. Criteria: CeGaT Center For Human Genetics Tuebingen Variant Classification Criteria Version 2. Collection method: clinical testing. Allele origin: germline. Affected: yes. Observed: 1 variant allele.
Comment: RPS11: BP4